The following is an entry in ClinVar:

ClinVar aggregate classification (germline): Uncertain significance (1 of 4 stars; one submission).

Conditions:
Peroxisome biogenesis disorder 2B (PBD2B). Identifiers: Orphanet 44, MedGen C3550234, MONDO:0008736, OMIM 202370.

Allele frequency attached by ClinVar (database versions not stated): gnomAD 0.00001; gnomAD exomes 0.00003 and 0.00007; ExAC 0.00008.
gnomAD v4.1: 50 of 1,613,678 alleles (0.0031%); highest among the groups gnomAD compares: South Asian, 0.054%; no homozygotes.

Submission:

Labcorp Genetics (formerly Invitae), Labcorp
Classification: Uncertain significance for Peroxisome biogenesis disorder 2B. Last evaluated: 2024-12-02. Review status: criteria provided, single submitter. Criteria: Invitae Variant Classification Sherloc (09022015). Collection method: clinical testing. Allele origin: germline.
Comment: This sequence change replaces alanine, which is neutral and non-polar, with valine, which is neutral and non-polar, at codon 119 of the PEX5 protein (p.Ala119Val). This variant is present in population databases (rs745341735, gnomAD 0.06%). This variant has not been reported in the literature in individuals affected with PEX5-related conditions. ClinVar contains an entry for this variant (Variation ID: 1409315). Invitae Evidence Modeling of protein sequence and biophysical properties (such as structural, functional, and spatial information, amino acid conservation, physicochemical variation, residue mobility, and thermodynamic stability) indicates that this missense variant is not expected to disrupt PEX5 protein function with a negative predictive value of 80%. In summary, the available evidence is currently insufficient to determine the role of this variant in disease. Therefore, it has been classified as a Variant of Uncertain Significance.

NM_001351132.2(PEX5):c.356C>T (p.Ala119Val)

Gene: PEX5 (peroxisomal biogenesis factor 5; plus strand). Cytogenetic location: 12p13.31.
Variant type: single nucleotide variant.
Coding change: c.356C>T on transcript NM_001351132.2 (MANE Select); coding-DNA position 356, C replaced by T.
Protein change: p.Ala119Val; replaces alanine 119 with valine.
Molecular consequence: missense variant.
Genome position (GRCh38, 1-based): chr12:7,191,608, C>T. VCF-style: chr12-7191608-C-T. GRCh37 (hg19) VCF-style: chr12-7344204-C-T.
Other names: c.356C>T, p.Ala119Val (NM_000319.5, NM_001131024.2, NM_001131025.2 and 19 more transcripts); c.401C>T, p.Ala134Val (NM_001131023.2, NM_001351135.3, NM_001351138.2); short protein forms A134V, A119V.
Identifiers: ClinVar variation 1409315 (VCV001409315.5), dbSNP rs745341735, ClinGen allele CA6426118.